The following is an entry in ClinVar:

ClinVar aggregate classification (germline): Uncertain significance. Review status: criteria provided, multiple submitters, no conflicts (2 of 4 stars). 2 submissions from 2 submitters: Uncertain significance (2). Last evaluated 2025-03-25.

Conditions:
Atrial fibrillation, familial, 7 (ATFB7). Identifiers: MedGen C2677106, MONDO:0012828, OMIM 612240.

Allele frequency attached by ClinVar (database versions not stated): gnomAD 0.00003 and 0.00004; TOPMed 0.00003; ESP Exome Variant Server 0.00008.
gnomAD v4.1: 51 of 1,613,944 alleles (0.0032%); highest among the groups gnomAD compares: Middle Eastern, 0.016%; no homozygotes.

Submissions (2):

Labcorp Genetics (formerly Invitae), Labcorp
Classification: Uncertain significance for Atrial fibrillation, familial, 7. Last evaluated: 2025-03-25. Review status: criteria provided, single submitter. Criteria: Invitae Variant Classification Sherloc (09022015). Collection method: clinical testing. Allele origin: germline.
Comment: This sequence change replaces arginine, which is basic and polar, with tryptophan, which is neutral and slightly polar, at codon 554 of the KCNA5 protein (p.Arg554Trp). This variant is present in population databases (rs150208806, gnomAD 0.02%). This variant has not been reported in the literature in individuals affected with KCNA5-related conditions. ClinVar contains an entry for this variant (Variation ID: 666388). An algorithm developed to predict the effect of missense changes on protein structure and function (PolyPhen-2) suggests that this variant is likely to be disruptive. In summary, the available evidence is currently insufficient to determine the role of this variant in disease. Therefore, it has been classified as a Variant of Uncertain Significance.

Fulgent Genetics
Classification: Uncertain significance for Atrial fibrillation, familial, 7. Last evaluated: 2021-10-01. Review status: criteria provided, single submitter. Criteria: ACMG Guidelines, 2015. Collection method: clinical testing. Allele origin: unknown.

NM_002234.4(KCNA5):c.1660C>T (p.Arg554Trp)

Gene: KCNA5 (potassium voltage-gated channel subfamily A member 5; plus strand). Cytogenetic location: 12p13.32.
Variant type: single nucleotide variant.
Coding change: c.1660C>T on transcript NM_002234.4 (MANE Select); coding-DNA position 1660, C replaced by T.
Protein change: p.Arg554Trp; replaces arginine 554 with tryptophan.
Molecular consequence: missense variant.
Genome position (GRCh38, 1-based): chr12:5,045,807, C>T. VCF-style: chr12-5045807-C-T. GRCh37 (hg19) VCF-style: chr12-5154973-C-T.
Other names: short protein forms R554W.
Identifiers: ClinVar variation 666388 (VCV000666388.7), dbSNP rs150208806, ClinGen allele CA6399914.
Genomic context (GRCh38, chr12:5,045,807, plus strand): 5'-GTCCTTAAGGAAGAGCAGGGCACTCAGAGCCAGGGGCCGGGGCTGGACAGAGGAGTCCAG[C>T]GGAAGGTCAGCGGGAGCAGGGGATCCTTCTGCAAGGCTGGGGGGACCCTGGAGAATGCAG-3'
Protein context (NP_002225.2, residues 544-564): QGPGLDRGVQ[Arg554Trp]KVSGSRGSFC